The following is an entry in ClinVar:

NM_033131.4(WNT3A):c.472G>A (p.Asp158Asn)

Gene: WNT3A (Wnt family member 3A; plus strand). Cytogenetic location: 1q42.13.
Variant type: single nucleotide variant.
Coding change: c.472G>A on transcript NM_033131.4 (MANE Select); coding-DNA position 472, G replaced by A.
Protein change: p.Asp158Asn; replaces aspartic acid 158 with asparagine.
Molecular consequence: missense variant.
Genome position (GRCh38, 1-based): chr1:228,050,814, G>A. VCF-style: chr1-228050814-G-A. GRCh37 (hg19) VCF-style: chr1-228238515-G-A.
Other names: short protein forms D158N.
Identifiers: ClinVar variation 1383371 (VCV001383371.6), dbSNP rs1488574529, ClinGen allele CA345335903.

ClinVar aggregate classification (germline): Uncertain significance (1 of 4 stars; one submission).

Allele frequency attached by ClinVar (database versions not stated): gnomAD exomes below 0.00001; gnomAD 0.00001; TOPMed 0.00002.
gnomAD v4.1: 5 of 1,613,328 alleles (0.00031%); highest among the groups gnomAD compares: African/African-American, 0.004%; no homozygotes.

Submission:

Labcorp Genetics (formerly Invitae), Labcorp
Classification: Uncertain significance. Last evaluated: 2022-11-22. Review status: criteria provided, single submitter. Criteria: Invitae Variant Classification Sherloc (09022015). Collection method: clinical testing. Allele origin: germline.
Comment: This sequence change replaces aspartic acid, which is acidic and polar, with asparagine, which is neutral and polar, at codon 158 of the WNT3A protein (p.Asp158Asn). This variant is present in population databases (no rsID available, gnomAD 0.01%). In summary, the available evidence is currently insufficient to determine the role of this variant in disease. Therefore, it has been classified as a Variant of Uncertain Significance. Advanced modeling of protein sequence and biophysical properties (such as structural, functional, and spatial information, amino acid conservation, physicochemical variation, residue mobility, and thermodynamic stability) performed at Invitae indicates that this missense variant is not expected to disrupt WNT3A protein function. ClinVar contains an entry for this variant (Variation ID: 1383371). This variant has not been reported in the literature in individuals affected with WNT3A-related conditions.